The following is an entry in ClinVar:

NM_005633.4(SOS1):c.1098T>A (p.Asp366Glu)

Gene: SOS1 (SOS Ras/Rac guanine nucleotide exchange factor 1; minus strand). Cytogenetic location: 2p22.1.
Variant type: single nucleotide variant.
Coding change: c.1098T>A on transcript NM_005633.4 (MANE Select); coding-DNA position 1098, T replaced by A.
Protein change: p.Asp366Glu; replaces aspartic acid 366 with glutamic acid.
Molecular consequence: missense variant.
Genome position (GRCh38, 1-based): chr2:39,024,114, A>T on the plus strand (T>A on the coding strand, the complement: SOS1 is on the minus strand). VCF-style: chr2-39024114-A-T. GRCh37 (hg19) VCF-style: chr2-39251255-A-T.
Other names: p.D366E:GAT>GAA; p.Asp366Glu; c.1077T>A, p.Asp359Glu (NM_001382394.1); c.1098T>A, p.Asp366Glu (NM_001382395.1); short protein forms D366E, D359E.
Identifiers: ClinVar variation 181548 (VCV000181548.48), dbSNP rs730881040, ClinGen allele CA297256.

ClinVar aggregate classification (germline): Conflicting classifications of pathogenicity. Review status: criteria provided, conflicting classifications (1 of 4 stars). 12 submissions from 11 submitters: Uncertain significance (11); Likely benign (1). Last evaluated 2025-07-17.

Conditions:
RASopathy. Also called: rasopathies; Noonan spectrum disorder. Identifiers: Orphanet 536391, MedGen C5555857, MONDO:0021060.
Noonan syndrome 4 (NS4). Also called: NOONAN SYNDROME WITH PIGMENTED VILLONODULAR SYNOVITIS; SOS1-Related Noonan Syndrome. Identifiers: Orphanet 648, MedGen C1853120, MONDO:0012547, OMIM 610733.
Fibromatosis, gingival, 1 (GINGF1). Identifiers: Orphanet 2024, MedGen C4551558, MONDO:0007609, OMIM 135300.

Allele frequency attached by ClinVar (database versions not stated): gnomAD 0.00001; gnomAD exomes 0.00002.
gnomAD v4.1: 29 of 1,611,204 alleles (0.0018%); highest among the groups gnomAD compares: Middle Eastern, 0.48%; no homozygotes.

Submissions (12):

Labcorp Genetics (formerly Invitae), Labcorp
Classification: Uncertain significance for RASopathy. Last evaluated: 2025-07-17. Review status: criteria provided, single submitter. Criteria: Invitae Variant Classification Sherloc (09022015). Collection method: clinical testing. Allele origin: germline.
Comment: This sequence change replaces aspartic acid, which is acidic and polar, with glutamic acid, which is acidic and polar, at codon 366 of the SOS1 protein (p.Asp366Glu). This variant is not present in population databases (gnomAD no frequency). This missense change has been observed in individual(s) with clinical features of Noonan syndrome (PMID: 34644002). ClinVar contains an entry for this variant (Variation ID: 181548). Invitae Evidence Modeling of protein sequence and biophysical properties (such as structural, functional, and spatial information, amino acid conservation, physicochemical variation, residue mobility, and thermodynamic stability) indicates that this missense variant is not expected to disrupt SOS1 protein function with a negative predictive value of 95%. In summary, the available evidence is currently insufficient to determine the role of this variant in disease. Therefore, it has been classified as a Variant of Uncertain Significance.

Blueprint Genetics
Classification: Likely benign. Last evaluated: 2024-09-25. Review status: criteria provided, single submitter. Criteria: ACMG Guidelines, 2015. Collection method: clinical testing. Allele origin: germline.

CeGaT Center for Human Genetics Tuebingen
Classification: Uncertain significance. Last evaluated: 2024-07-01. Review status: criteria provided, single submitter. Criteria: CeGaT Center For Human Genetics Tuebingen Variant Classification Criteria Version 2. Collection method: clinical testing. Allele origin: germline. Affected: yes. Observed: 2 variant alleles.
Comment: SOS1: PM2

GeneDx
Classification: Uncertain significance. Last evaluated: 2023-10-12. Review status: criteria provided, single submitter. Criteria: GeneDx Variant Classification Process June 2021. Collection method: clinical testing. Allele origin: germline. Affected: yes.
Comment: Not observed at significant frequency in large population cohorts (gnomAD); Missense variants in this gene are a common cause of disease and they are underrepresented in the general population; In silico analysis supports that this missense variant does not alter protein structure/function; This variant is associated with the following publications: (PMID: 29493581, 34644002)

Mayo Clinic Laboratories, Mayo Clinic
Classification: Uncertain significance. Last evaluated: 2021-11-10. Review status: criteria provided, single submitter. Criteria: ACMG Guidelines, 2015. Collection method: clinical testing. Allele origin: germline.

Revvity Omics, Revvity
Classification: Uncertain significance. Last evaluated: 2021-04-05. Review status: criteria provided, single submitter. Criteria: ACMG Guidelines, 2015. Collection method: clinical testing. Allele origin: germline.

Centre for Mendelian Genomics, University Medical Centre Ljubljana
Classification: Uncertain significance for Fibromatosis, gingival, 1. Last evaluated: 2020-03-16. Review status: criteria provided, single submitter. Criteria: ACMG Guidelines, 2015. Collection method: clinical testing. Allele origin: unknown. Affected: yes.
Comment: This variant was classified as: Uncertain significance. The available evidence on this variant's pathogenicity is insufficient or conflicting. The following ACMG criteria were applied in classifying this variant: PM2.

Fulgent Genetics
Classification: Uncertain significance for Fibromatosis, gingival, 1; Noonan syndrome 4. Last evaluated: 2018-10-31. Review status: criteria provided, single submitter. Criteria: ACMG Guidelines, 2015. Collection method: clinical testing. Allele origin: unknown.

Eurofins Ntd Llc (ga)
Classification: Uncertain significance. Last evaluated: 2017-01-16. Review status: criteria provided, single submitter. Criteria: EGL Classification Definitions 2015. Collection method: clinical testing. Allele origin: germline. Observed: 1 variant allele, 1 heterozygote.

Breakthrough Genomics
Classification: Uncertain significance. Review status: criteria provided, single submitter. Criteria: ACMG Guidelines, 2015. Collection method: not provided. Allele origin: germline. Inheritance: Autosomal dominant inheritance. Affected: yes.

Genome-Nilou Lab
Classification: Uncertain significance for Noonan syndrome 4. Review status: criteria provided, single submitter. Criteria: ACMG Guidelines, 2015. Collection method: clinical testing. Allele origin: germline.

Genome-Nilou Lab
Classification: Uncertain significance for Fibromatosis, gingival, 1. Review status: criteria provided, single submitter. Criteria: ACMG Guidelines, 2015. Collection method: clinical testing. Allele origin: germline.

Literature cited by the submitters: PubMed 34644002 (cited by Labcorp Genetics (formerly Invitae), Labcorp).